The following is an entry in ClinVar:

NM_000719.7(CACNA1C):c.2486A>G (p.Asn829Ser)

Gene: CACNA1C (calcium voltage-gated channel subunit alpha1 C; plus strand). Cytogenetic location: 12p13.33.
Variant type: single nucleotide variant.
Coding change: c.2486A>G on transcript NM_000719.7 (MANE Select); coding-DNA position 2486, A replaced by G.
Protein change: p.Asn829Ser; replaces asparagine 829 with serine.
Molecular consequence: missense variant.
Genome position (GRCh38, 1-based): chr12:2,585,860, A>G. VCF-style: chr12-2585860-A-G. GRCh37 (hg19) VCF-style: chr12-2695026-A-G.
Other names: c.2486A>G, p.Asn829Ser (NM_001129827.2, NM_001129829.2, NM_001129830.3 and 18 more transcripts); c.2477A>G, p.Asn826Ser (NM_001129844.2); short protein forms N829S, N826S.
Identifiers: ClinVar variation 570822 (VCV000570822.14), dbSNP rs773015884, ClinGen allele CA6388988.

ClinVar aggregate classification (germline): Conflicting classifications of pathogenicity. Review status: criteria provided, conflicting classifications (1 of 4 stars). 5 submissions from 5 submitters: Uncertain significance (2); Benign (1); Likely benign (2). Last evaluated 2026-02-10.

Conditions:
Timothy syndrome (TS). Also called: LONG QT SYNDROME WITH SYNDACTYLY. Identifiers: Orphanet 65283, MedGen C1832916, MeSH C536962, MONDO:0010979, OMIM 601005.
Brugada syndrome 3 (BRGDA3). Identifiers: Orphanet 130, MedGen C2678478, MONDO:0012742, OMIM 611875.
Long QT syndrome 8. Identifiers: MedGen CN260585, MONDO:0032756, OMIM 618447.
CACNA1C-related disorder. Also called: CACNA1C-related condition; CACNA1C-related disorders. Identifiers: MedGen CN381092, MONDO:0700321.
Long QT syndrome (LQTS). Identifiers: MedGen C0023976, MeSH D008133, MONDO:0002442. Disease mechanism: loss of function. Inheritance: Various modes of inheritance.
Cardiovascular phenotype. Identifiers: MedGen CN230736.

Allele frequency attached by ClinVar (database versions not stated): gnomAD 0.00003; TOPMed 0.00006; ExAC 0.00001.
gnomAD v4.1: 44 of 1,609,208 alleles (0.0027%); highest among the groups gnomAD compares: Admixed American, 0.0067%; no homozygotes.

Submissions (5):

PreventionGenetics, part of Exact Sciences
Classification: Uncertain significance for CACNA1C-related condition. Last evaluated: 2026-02-10. Review status: criteria provided, single submitter. Criteria: ACMG Guidelines, 2015. Collection method: clinical testing. Allele origin: germline.
Comment: The CACNA1C c.2486A>G variant is predicted to result in the amino acid substitution p.Asn829Ser. To our knowledge, this variant has not been reported in the literature. This variant is reported in 0.011% of alleles in individuals of Latino descent in gnomAD. Although we suspect that this variant may be benign, the clinical significance of this variant is classified as uncertain at this time due to insufficient functional and genetic evidence.

Labcorp Genetics (formerly Invitae), Labcorp
Classification: Likely benign for Long QT syndrome. Last evaluated: 2025-10-26. Review status: criteria provided, single submitter. Criteria: Invitae Variant Classification Sherloc (09022015). Collection method: clinical testing. Allele origin: germline.

Blueprint Genetics
Classification: Likely benign. Last evaluated: 2024-08-06. Review status: criteria provided, single submitter. Criteria: ACMG Guidelines, 2015. Collection method: clinical testing. Allele origin: germline.

Ambry Genetics
Classification: Benign for Cardiovascular phenotype. Last evaluated: 2022-09-08. Review status: criteria provided, single submitter. Criteria: Ambry Variant Classification Scheme 2023. Collection method: clinical testing. Allele origin: germline.

New York Genome Center
Classification: Uncertain significance for Timothy syndrome; Long QT syndrome 8; Brugada syndrome 3. Last evaluated: 2021-06-11. Review status: criteria provided, single submitter. Criteria: NYGC Assertion Criteria 2020. Collection method: clinical testing. Allele origin: inherited. Observed: 1 heterozygote. Study: CSER-NYCKidSeq.

Literature cited by the submitters: PubMed 20031608 (cited by Ambry Genetics).